The following is an entry in ClinVar:

ClinVar aggregate classification (germline): Uncertain significance (1 of 4 stars; one submission).

Allele frequency attached by ClinVar (database versions not stated): gnomAD exomes below 0.00001; gnomAD 0.00001; TOPMed 0.00001.
gnomAD v4.1: 4 of 1,613,638 alleles (0.00025%); highest among the groups gnomAD compares: South Asian, 0.0011%; no homozygotes.

Submission:

GeneDx
Classification: Uncertain significance. Last evaluated: 2019-09-13. Review status: criteria provided, single submitter. Criteria: GeneDx Variant Classification Process June 2021. Collection method: clinical testing. Allele origin: germline. Affected: yes.
Comment: Not observed in large population cohorts (Lek et al., 2016); In silico analysis, which includes protein predictors and evolutionary conservation, supports a deleterious effect; Has not been previously published as pathogenic or benign to our knowledge

NM_207361.6(FREM2):c.8777A>G (p.Tyr2926Cys)

Gene: FREM2 (FRAS1 related extracellular matrix 2; plus strand). Cytogenetic location: 13q13.3.
Variant type: single nucleotide variant.
Coding change: c.8777A>G on transcript NM_207361.6 (MANE Select); coding-DNA position 8777, A replaced by G.
Protein change: p.Tyr2926Cys; replaces tyrosine 2926 with cysteine.
Molecular consequence: missense variant.
Genome position (GRCh38, 1-based): chr13:38,878,239, A>G. VCF-style: chr13-38878239-A-G. GRCh37 (hg19) VCF-style: chr13-39452376-A-G.
Other names: short protein forms Y2926C.
Identifiers: ClinVar variation 1304363 (VCV001304363.2), dbSNP rs1878414292, ClinGen allele CA387907893.
Genomic context (GRCh38, chr13:38,878,239, plus strand): 5'-TGGGTGACTCCTTTTACTGCAGCATTGAGAAGGTGTTTCTATGCACTGGAGCTGATGGCT[A>G]TGTTCCCAAGTATAGTCCAATGAATGCAGAATATGGCTGCTTAGCCGACTCTCCTTCACT-3'
Protein context (NP_997244.4, residues 2916-2936): KVFLCTGADG[Tyr2926Cys]VPKYSPMNAE